The following is an entry in ClinVar:

NM_207346.3(TSEN54):c.1335del (p.Leu446fs)

Gene: TSEN54 (tRNA splicing endonuclease subunit 54; plus strand). Cytogenetic location: 17q25.1.
Variant type: Deletion.
Coding change: c.1335del on transcript NM_207346.3 (MANE Select); coding-DNA position 1335, one base deleted (C; older notation c.1335delC).
Protein change: p.Leu446fs; shifts the reading frame from leucine 446.
Molecular consequence: frameshift variant.
Genome position (GRCh38, 1-based): chr17:75,523,684, C deleted. VCF-style (leftmost placement, unchanged base first): chr17-75523683-GC-G. GRCh37 (hg19) VCF-style: chr17-73519764-GC-G.
Other names: short protein forms L446fs.
Identifiers: ClinVar variation 160129 (VCV000160129.7), dbSNP rs587784476, ClinGen allele CA173716.

ClinVar aggregate classification (germline): Pathogenic/Likely pathogenic. Review status: criteria provided, multiple submitters, no conflicts (2 of 4 stars). 2 submissions from 2 submitters: Pathogenic (1); Likely pathogenic (1). Last evaluated 2019-11-08.

Conditions:
Olivopontocerebellar hypoplasia. Identifiers: MedGen C1859341, HP:0006955.
Pontoneocerebellar hypoplasia. Also called: Pontocerebellar hypoplasia; Non-syndromic pontocerebellar hypoplasia. Identifiers: Orphanet 98523, MedGen C1261175, MONDO:0020135.

Allele frequency attached by ClinVar (database versions not stated): gnomAD exomes below 0.00001.

Submissions (2):

Women's Health and Genetics/Laboratory Corporation of America, LabCorp
Classification: Likely pathogenic for Pontoneocerebellar hypoplasia. Last evaluated: 2019-11-08. Review status: criteria provided, single submitter. Criteria: LabCorp Variant Classification Summary - May 2015. Collection method: clinical testing. Allele origin: germline.
Comment: Variant summary: TSEN54 c.1335delC (p.Leu446TrpfsX55) results in a premature termination codon, predicted to cause a truncation of the encoded protein or absence of the protein due to nonsense mediated decay, which are commonly known mechanisms for disease. The variant was absent in 251468 control chromosomes. To our knowledge, no occurrence of c.1335delC in individuals affected with TSEN54-Related Pontocerebellar Hypoplasia and no experimental evidence demonstrating its impact on protein function have been reported. No clinical diagnostic laboratories have submitted clinical-significance assessments for this variant to ClinVar after 2014. Although one laboratory has submitted a clinical-significance assessment for this variant as pathogenic to ClinVar before 2014 without evidence for independent evaluation. Based on the evidence outlined above, the variant was classified as likely pathogenic.

Genetic Services Laboratory, University of Chicago
Classification: Pathogenic for olivopontocerebellar hypoplasia. Last evaluated: 2013-02-08. Review status: criteria provided, single submitter. Criteria: ACMG Guidelines, 2007. Collection method: clinical testing. Allele origin: germline. Inheritance: Autosomal recessive inheritance. Affected: yes.